The following is an entry in ClinVar:

NM_199242.3(UNC13D):c.2338G>A (p.Gly780Ser)

Gene: UNC13D (unc-13 homolog D; minus strand). Cytogenetic location: 17q25.1.
Variant type: single nucleotide variant.
Coding change: c.2338G>A on transcript NM_199242.3 (MANE Select); coding-DNA position 2338, G replaced by A.
Protein change: p.Gly780Ser; replaces glycine 780 with serine.
Molecular consequence: missense variant.
Genome position (GRCh38, 1-based): chr17:75,834,104, C>T on the plus strand (G>A on the coding strand, the complement: UNC13D is on the minus strand). VCF-style: chr17-75834104-C-T. GRCh37 (hg19) VCF-style: chr17-73830185-C-T.
Other names: short protein forms G780S.
Identifiers: ClinVar variation 3720077 (VCV003720077.2).

ClinVar aggregate classification (germline): Uncertain significance (1 of 4 stars; one submission).

Conditions:
Familial hemophagocytic lymphohistiocytosis 3 (FHL3). Also called: UNC13D-Related Familial Hemophagocytic Lymphohistiocytosis (UNC13D-fHLH). Identifiers: Orphanet 540, MedGen C1837174, MONDO:0012146, OMIM 608898.

gnomAD v4.1: 2 of 1,613,812 alleles (0.00012%); highest among the groups gnomAD compares: Non-Finnish European, 0.00017%; no homozygotes.

Submission:

Labcorp Genetics (formerly Invitae), Labcorp
Classification: Uncertain significance for Familial hemophagocytic lymphohistiocytosis 3. Last evaluated: 2024-11-27. Review status: criteria provided, single submitter. Criteria: Invitae Variant Classification Sherloc (09022015). Collection method: clinical testing. Allele origin: germline.
Comment: This sequence change replaces glycine, which is neutral and non-polar, with serine, which is neutral and polar, at codon 780 of the UNC13D protein (p.Gly780Ser). This variant is not present in population databases (gnomAD no frequency). This variant has not been reported in the literature in individuals affected with UNC13D-related conditions. Invitae Evidence Modeling of protein sequence and biophysical properties (such as structural, functional, and spatial information, amino acid conservation, physicochemical variation, residue mobility, and thermodynamic stability) indicates that this missense variant is not expected to disrupt UNC13D protein function with a negative predictive value of 80%. Algorithms developed to predict the effect of sequence changes on RNA splicing suggest that this variant may create or strengthen a splice site. In summary, the available evidence is currently insufficient to determine the role of this variant in disease. Therefore, it has been classified as a Variant of Uncertain Significance.